The following is an entry in ClinVar:

NM_001042492.3(NF1):c.913A>G (p.Lys305Glu)

Gene: NF1 (neurofibromin 1; plus strand). Cytogenetic location: 17q11.2.
Variant type: single nucleotide variant.
Coding change: c.913A>G on transcript NM_001042492.3 (MANE Select); coding-DNA position 913, A replaced by G.
Protein change: p.Lys305Glu; replaces lysine 305 with glutamic acid.
Molecular consequence: missense variant.
Genome position (GRCh38, 1-based): chr17:31,200,446, A>G. VCF-style: chr17-31200446-A-G. GRCh37 (hg19) VCF-style: chr17-29527464-A-G.
Other names: c.913A>G, p.Lys305Glu (NM_000267.4, NM_001128147.3); short protein forms K305E.
Identifiers: ClinVar variation 586174 (VCV000586174.8), dbSNP rs1567835041, ClinGen allele CA398995577.
Genomic context (GRCh38, chr17:31,200,446, plus strand): 5'-CATATATTATCTTATCGCTATATTTGAATTCTGTAGAAGTTATTTCTGGACAGTCTACGA[A>G]AAGCTCTTGCTGGCCATGGAGGAAGTAGGCAGCTGACAGAAAGTGCTGCAATTGCCTGTG-3'
Protein context (NP_001035957.1, residues 295-315): NKKLFLDSLR[Lys305Glu]ALAGHGGSRQ

ClinVar aggregate classification (germline): Uncertain significance. Review status: criteria provided, multiple submitters, no conflicts (2 of 4 stars). 4 submissions from 4 submitters: Uncertain significance (4). Last evaluated 2024-08-20.

Conditions:
Cardiovascular phenotype. Identifiers: MedGen CN230736.
Hereditary cancer-predisposing syndrome. Also called: Neoplastic Syndromes, Hereditary; Hereditary Cancer Syndrome; Tumor predisposition; Hereditary neoplastic syndrome. Identifiers: Orphanet 140162, MedGen C0027672, MeSH D009386, MONDO:0015356.
Neurofibromatosis, type 1 (NF1). Also called: Peripheral type neurofibromatosis; VON RECKLINGHAUSEN DISEASE; NEUROFIBROMATOSIS, TYPE I, SOMATIC; Neurofibromatosis, type I. Identifiers: Orphanet 636, MedGen C0027831, MONDO:0018975, OMIM 162200. Disease mechanism: loss of function.

Submissions (4):

Ambry Genetics
Classification: Uncertain significance for Cardiovascular phenotype; Hereditary cancer-predisposing syndrome. Last evaluated: 2024-08-20. Review status: criteria provided, single submitter. Criteria: Ambry Variant Classification Scheme 2023. Collection method: clinical testing. Allele origin: germline.
Comment: The p.K305E variant (also known as c.913A>G), located in coding exon 9 of the NF1 gene, results from an A to G substitution at nucleotide position 913. The lysine at codon 305 is replaced by glutamic acid, an amino acid with similar properties. This amino acid position is well conserved in available vertebrate species. In addition, this alteration is predicted to be tolerated by in silico analysis. Based on the available evidence, the clinical significance of this variant remains unclear.

Labcorp Genetics (formerly Invitae), Labcorp
Classification: Uncertain significance for Neurofibromatosis, type 1. Last evaluated: 2022-03-27. Review status: criteria provided, single submitter. Criteria: Invitae Variant Classification Sherloc (09022015). Collection method: clinical testing. Allele origin: germline.
Comment: In summary, the available evidence is currently insufficient to determine the role of this variant in disease. Therefore, it has been classified as a Variant of Uncertain Significance. Advanced modeling of protein sequence and biophysical properties (such as structural, functional, and spatial information, amino acid conservation, physicochemical variation, residue mobility, and thermodynamic stability) performed at Invitae indicates that this missense variant is not expected to disrupt NF1 protein function. ClinVar contains an entry for this variant (Variation ID: 586174). This variant has not been reported in the literature in individuals affected with NF1-related conditions. This variant is not present in population databases (gnomAD no frequency). This sequence change replaces lysine, which is basic and polar, with glutamic acid, which is acidic and polar, at codon 305 of the NF1 protein (p.Lys305Glu).

Genome-Nilou Lab
Classification: Uncertain significance for Neurofibromatosis, type 1. Last evaluated: 2022-03-15. Review status: criteria provided, single submitter. Criteria: ACMG Guidelines, 2015. Collection method: clinical testing. Allele origin: germline. Affected: no.

Athena Diagnostics
Classification: Uncertain significance. Last evaluated: 2018-07-25. Review status: criteria provided, single submitter. Criteria: Athena Diagnostics Criteria. Collection method: clinical testing. Allele origin: germline.